The following is an entry in ClinVar:

ClinVar aggregate classification (germline): Conflicting classifications of pathogenicity. Review status: criteria provided, conflicting classifications (1 of 4 stars). 8 submissions from 8 submitters: Uncertain significance (1); Likely benign (6). 1 of the submissions does not count toward it. Last evaluated 2026-02-01.

Conditions:
Cardiovascular phenotype. Identifiers: MedGen CN230736.
COL1A2-related disorder. Also called: COL1A2-Related Disorders; COL1A2-related condition.
Osteogenesis imperfecta type I (OI1). Also called: OI, TYPE I; OSTEOGENESIS IMPERFECTA TARDA; OSTEOGENESIS IMPERFECTA WITH BLUE SCLERAE; Lobstein's Disease; Classic Non-deforming Osteogenesis Imperfecta with Blue Sclerae; Lobstein disease. Identifiers: Orphanet 216796, Orphanet 666, MedGen C0023931, MONDO:0008146, OMIM 166200. Disease mechanism: loss of function.
Ehlers-Danlos syndrome, classic type, 1 (EDSCL1). Also called: Ehlers-Danlos Syndrome, Classic Type, COL5A1-Related; EDS I; Ehlers-Danlos syndrome, type 1; EHLERS-DANLOS SYNDROME, GRAVIS TYPE; EHLERS-DANLOS SYNDROME, SEVERE CLASSIC TYPE. Identifiers: MedGen C0268335, MONDO:0019567, OMIM 130000.

Allele frequency attached by ClinVar (database versions not stated): ExAC 0.00030; 1000 Genomes Project 0.00060; ESP Exome Variant Server 0.00100; gnomAD exomes 0.00021 and 0.00010; gnomAD 0.00052 and 0.00054; TOPMed 0.00064; 1000 Genomes Project 30x 0.00094.
gnomAD v4.1: 230 of 1,614,010 alleles (0.014%); highest among the groups gnomAD compares: African/African-American, 0.21%; 1 homozygote.

Submissions (8):

Labcorp Genetics (formerly Invitae), Labcorp
Classification: Likely benign for Osteogenesis imperfecta type I; Ehlers-Danlos syndrome, classic type, 1. Last evaluated: 2026-02-01. Review status: criteria provided, single submitter. Criteria: Invitae Variant Classification Sherloc (09022015). Collection method: clinical testing. Allele origin: germline.

Mayo Clinic Laboratories, Mayo Clinic
Classification: Likely benign. Last evaluated: 2025-10-17. Review status: criteria provided, single submitter. Criteria: ACMG Guidelines, 2015. Collection method: clinical testing. Allele origin: germline. Observed: 1 variant allele.
Comment: BS1, BS2_supporting

Women's Health and Genetics/Laboratory Corporation of America, LabCorp
Classification: Likely benign. Last evaluated: 2025-07-07. Review status: criteria provided, single submitter. Criteria: LabCorp Variant Classification Summary - May 2015. Collection method: clinical testing. Allele origin: germline.
Comment: Variant summary: COL1A2 c.3613C>T (p.Arg1205Trp) results in a non-conservative amino acid change located in the Fibrillar collagens C-terminal domain (IPR000885) of the encoded protein sequence. Algorithms developed to predict the effect of missense changes on protein structure and function are either unavailable or do not agree on the potential impact of this missense change. The variant allele was found at a frequency of 0.00021 in 251256 control chromosomes, predominantly at a frequency of 0.0023 within the African or African-American subpopulation in the gnomAD database. The observed variant frequency within African or African-American control individuals in the gnomAD database is approximately 2.057 fold of the estimated maximal expected allele frequency for a pathogenic variant in COL1A2 causing Ehlers-Danlos syndrome, cardiac valvular type phenotype (0.0011). c.3613C>T has not been observed in individual(s) affected with Ehlers-Danlos syndrome, cardiac valvular type and to our knowledge, no experimental evidence demonstrating an impact on protein function has been reported. The following publication has been ascertained in the context of this evaluation (PMID: 27090748). ClinVar contains an entry for this variant (Variation ID: 594481). Based on the evidence outlined above, the variant was classified as likely benign.

ARUP Laboratories, Molecular Genetics and Genomics, ARUP Laboratories
Classification: Likely benign. Last evaluated: 2023-05-02. Review status: criteria provided, single submitter. Criteria: ARUP Molecular Germline Variant Investigation Process 2024. Collection method: clinical testing. Allele origin: germline.

Ambry Genetics
Classification: Likely benign for Cardiovascular phenotype. Last evaluated: 2020-03-17. Review status: criteria provided, single submitter. Criteria: Ambry Variant Classification Scheme 2023. Collection method: clinical testing. Allele origin: germline.

Eurofins Ntd Llc (ga)
Classification: Uncertain significance. Last evaluated: 2018-06-27. Review status: criteria provided, single submitter. Criteria: EGL ClinVar v180209 classification definitions. Collection method: clinical testing. Allele origin: germline. Observed: 2 variant alleles, 2 heterozygotes.

GeneDx
Classification: Likely benign. Last evaluated: 2017-10-24. Review status: criteria provided, single submitter. Criteria: GeneDx Variant Classification (06012015). Collection method: clinical testing. Allele origin: germline. Affected: yes.
Comment: This variant is considered likely benign or benign based on one or more of the following criteria: it is a conservative change, it occurs at a poorly conserved position in the protein, it is predicted to be benign by multiple in silico algorithms, and/or has population frequency not consistent with disease.

PreventionGenetics, part of Exact Sciences
Classification: Likely benign for COL1A2-related condition. Last evaluated: 2022-12-12. Review status: no assertion criteria provided. Collection method: clinical testing. Allele origin: germline. Not counted in ClinVar's aggregate classification.
Comment: This variant is classified as likely benign based on ACMG/AMP sequence variant interpretation guidelines (Richards et al. 2015 PMID: 25741868, with internal and published modifications).

Literature cited by the submitters: PubMed 27090748 (cited by 3 submitters).

NM_000089.4(COL1A2):c.3613C>T (p.Arg1205Trp)

Gene: COL1A2 (collagen type I alpha 2 chain; plus strand). Cytogenetic location: 7q21.3.
Variant type: single nucleotide variant.
Coding change: c.3613C>T on transcript NM_000089.4 (MANE Select); coding-DNA position 3613, C replaced by T.
Protein change: p.Arg1205Trp; replaces arginine 1205 with tryptophan.
Molecular consequence: missense variant.
Genome position (GRCh38, 1-based): chr7:94,428,379, C>T. VCF-style: chr7-94428379-C-T. GRCh37 (hg19) VCF-style: chr7-94057691-C-T.
Other names: p.Arg1205Trp; short protein forms R1205W.
Identifiers: ClinVar variation 594481 (VCV000594481.24), dbSNP rs150124840, ClinGen allele CA4347799.